The following is an entry in ClinVar:

NM_005257.6(GATA6):c.729_730del (p.Gly244fs)

Gene: GATA6 (GATA binding protein 6; plus strand). Cytogenetic location: 18q11.2.
Variant type: Deletion.
Coding change: c.729_730del on transcript NM_005257.6 (MANE Select); coding-DNA positions 729 to 730, 2 bases deleted (CG; older notation c.729_730delCG).
Protein change: p.Gly244fs; shifts the reading frame from glycine 244.
Molecular consequence: frameshift variant.
Genome position (GRCh38, 1-based): chr18:22,171,873-22,171,874, CG deleted; deleting any 2 consecutive bases within chr18:22,171,872-22,171,874 gives the same sequence; the c. name uses the placement nearest the transcript's 3' end. VCF-style (leftmost placement, unchanged base first): chr18-22171871-GGC-G. GRCh37 (hg19) VCF-style: chr18-19751832-GGC-G.
Other names: short protein forms G244fs.
Identifiers: ClinVar variation 2690915 (VCV002690915.1), dbSNP rs2510626168, ClinGen allele CA2697555325.

ClinVar aggregate classification (germline): Pathogenic (1 of 4 stars; one submission).

Conditions:
Conotruncal heart malformations (CTHM). Also called: Conotruncal heart malformations, variable. Identifiers: Orphanet 2445, Orphanet 3384, Orphanet 3426, MedGen C1857586, MONDO:0016581, OMIM 217095.

Submission:

Johns Hopkins Genomics, Johns Hopkins University
Classification: Pathogenic for Conotruncal heart malformations. Last evaluated: 2023-09-12. Review status: criteria provided, single submitter. Criteria: ACMG Guidelines, 2015. Collection method: clinical testing. Allele origin: germline.
Comment: This GATA6 variant is absent from a large population dataset and has not been reported in ClinVar nor the literature, to our knowledge. This frameshift variant in exon 2 of 7 results in a premature termination codon (PTC) likely leading to nonsense-mediated decay and lack of protein production. We consider c.729_730del (p.Gly244fs) to be pathogenic for persistent truncus arteriosus.

Literature cited by the submitters: PubMed 19666519; PubMed 29101065; PubMed 31301121.